The following is an entry in ClinVar:

ClinVar aggregate classification (germline): Likely pathogenic (1 of 4 stars; one submission).

Conditions:
Colorectal cancer, susceptibility to, 12 (CRCS12). Also called: COLORECTAL CANCER, SUSCEPTIBILITY TO, ON CHROMOSOME 12q24. Identifiers: Orphanet 220460, MedGen C3554460, MONDO:0014038, OMIM 615083.

Submission:

KCCC/NGS Laboratory, Kuwait Cancer Control Center
Classification: Likely pathogenic for Colorectal cancer, susceptibility to, 12. Last evaluated: 2023-12-11. Review status: criteria provided, single submitter. Criteria: ACMG Guidelines, 2015. Collection method: clinical testing. Allele origin: germline. Inheritance: Autosomal dominant inheritance. Affected: no. Observed: 1 heterozygote.
Comment: This sequence change creates a premature translational stop signal (p.Ser918*) in the POLE gene. It is expected to result in an absent or disrupted protein product. Loss-of-function variants in POLE are known to be pathogenic (PMID: 23230001, 25948378, 30503519). This variant is not present in population databases (gnomAD no frequency). This variant has not been reported in the literature in individuals affected with POLE-related conditions. Algorithms developed to predict the effect of sequence changes on RNA splicing suggest that this variant may disrupt the consensus splice site. Therefore, this variant has been classified as Pathogenic. This variant has been confirmed by Sanger sequencing. Pathogenic/likely pathogenic variants in the POLE gene cause susceptibility to colorectal cancer type 12 (OMIM# 615083).

NM_006231.4(POLE):c.2753C>A (p.Ser918Ter)

Gene: POLE (DNA polymerase epsilon, catalytic subunit; minus strand). Cytogenetic location: 12q24.33.
Variant type: single nucleotide variant.
Coding change: c.2753C>A on transcript NM_006231.4 (MANE Select); coding-DNA position 2753, C replaced by A.
Protein change: p.Ser918Ter; replaces serine 918 with a stop codon.
Molecular consequence: nonsense.
Genome position (GRCh38, 1-based): chr12:132,661,638, G>T on the plus strand (C>A on the coding strand, the complement: POLE is on the minus strand). VCF-style: chr12-132661638-G-T. GRCh37 (hg19) VCF-style: chr12-133238224-G-T.
Other names: short protein forms S918*.
Identifiers: ClinVar variation 2664946 (VCV002664946.2), dbSNP rs2135949218, ClinGen allele CA387393914.